The following is an entry in ClinVar:

ClinVar aggregate classification (germline): Uncertain significance (1 of 4 stars; one submission).

Submission:

Labcorp Genetics (formerly Invitae), Labcorp
Classification: Uncertain significance. Last evaluated: 2025-06-18. Review status: criteria provided, single submitter. Criteria: Invitae Variant Classification Sherloc (09022015). Collection method: clinical testing. Allele origin: germline.
Comment: This sequence change replaces threonine, which is neutral and polar, with proline, which is neutral and non-polar, at codon 586 of the MYLK3 protein (p.Thr586Pro). This variant is not present in population databases (gnomAD no frequency). This variant has not been reported in the literature in individuals affected with MYLK3-related conditions. ClinVar contains an entry for this variant (Variation ID: 1475823). An algorithm developed to predict the effect of missense changes on protein structure and function (PolyPhen-2) suggests that this variant is likely to be disruptive. In summary, the available evidence is currently insufficient to determine the role of this variant in disease. Therefore, it has been classified as a Variant of Uncertain Significance.

NM_182493.3(MYLK3):c.1756A>C (p.Thr586Pro)

Gene: MYLK3 (myosin light chain kinase 3; minus strand). Cytogenetic location: 16q11.2.
Variant type: single nucleotide variant.
Coding change: c.1756A>C on transcript NM_182493.3 (MANE Select); coding-DNA position 1756, A replaced by C.
Protein change: p.Thr586Pro; replaces threonine 586 with proline.
Molecular consequence: missense variant.
Genome position (GRCh38, 1-based): chr16:46,729,040, T>G on the plus strand (A>C on the coding strand, the complement: MYLK3 is on the minus strand). VCF-style: chr16-46729040-T-G. GRCh37 (hg19) VCF-style: chr16-46762952-T-G.
Other names: c.733A>C, p.Thr245Pro (NM_001308301.1); short protein forms T586P, T245P.
Identifiers: ClinVar variation 1475823 (VCV001475823.8), dbSNP rs1596759035, ClinGen allele CA395790082.